The following is an entry in ClinVar:

ClinVar aggregate classification (germline): Likely benign (1 of 4 stars; one submission).

Conditions:
EHHADH-related disorder. Also called: EHHADH-related condition.

Submission:

PreventionGenetics, part of Exact Sciences
Classification: Likely benign for EHHADH-related condition. Last evaluated: 2026-08-17. Review status: criteria provided, single submitter. Criteria: ACMG Guidelines, 2015. Collection method: clinical testing. Allele origin: germline.
Comment: This variant is classified as likely benign based on ACMG/AMP sequence variant interpretation guidelines (Richards et al. 2015 PMID: 25741868, with internal and published modifications).

NM_001966.4(EHHADH):c.1974G>A (p.Arg658=)

Gene: EHHADH (enoyl-CoA hydratase and 3-hydroxyacyl CoA dehydrogenase; minus strand). Cytogenetic location: 3q27.2.
Variant type: single nucleotide variant.
Coding change: c.1974G>A on transcript NM_001966.4 (MANE Select); coding-DNA position 1974, G replaced by A.
Protein change: p.Arg658=; no amino-acid change (arginine 658 retained).
Molecular consequence: synonymous variant.
Genome position (GRCh38, 1-based): chr3:185,192,424, C>T on the plus strand (G>A on the coding strand, the complement: EHHADH is on the minus strand). VCF-style: chr3-185192424-C-T. GRCh37 (hg19) VCF-style: chr3-184910212-C-T.
Other names: c.1686G>A, p.Arg562= (NM_001166415.2).
Identifiers: ClinVar variation 5001399 (VCV005001399.1).